The following is an entry in ClinVar:

ClinVar aggregate classification (germline): Likely pathogenic (1 of 4 stars; one submission).

Conditions:
Cardiospondylocarpofacial syndrome (CSCF). Identifiers: Orphanet 3238, MedGen C2931461, MONDO:0008005, OMIM 157800.

Submission:

Pediatric Genomics Discovery Program, Yale University
Classification: Likely pathogenic for Cardiospondylocarpofacial syndrome. Last evaluated: 2019-08-23. Review status: criteria provided, single submitter. Criteria: ACMG Guidelines, 2015. Collection method: research. Allele origin: de novo. Inheritance: Sporadic. Affected: yes. Observed: 1 heterozygote.
Comment: The p.Val42del variant is closely situated to other variants associated with CSCFS, p.Arg44_Gly45del, and p.Val50del (Le Goff 2016). The p.Val42del variant is likely pathogenic due to its de novo status (PS2) and its absence from control individuals (PM2). However, additional evidence supporting pathogenicity is that this single amino acid inframe deletion is not located within a repetitive region and thus does change the length of the protein to a small extent. The disease may be too rare and considerably overlaps with other disorders; thus it is inaccurate to say the patient phenotype in this case is highly specific for CSCFS, though the patient with this variant does have key features. Additionally, while this is not a missense change, the MAP3K7 gene does feature a relatively low tolerance to missense change, and we could extrapolate that indels may also be poorly tolerated in the gene given their specific recurrence in CSCFS.

NM_145331.3(MAP3K7):c.122TTG[1] (p.Val42del)

Gene: MAP3K7 (mitogen-activated protein kinase kinase kinase 7; minus strand). Cytogenetic location: 6q15.
Variant type: Microsatellite.
Coding change: c.122TTG[1] on transcript NM_145331.3 (MANE Select); one copy of the 3-base unit TTG starting at c.122; the reference has two copies in a row; one copy, 3 bases deleted.
Protein change: p.Val42del; deletes valine 42.
Molecular consequence: inframe deletion.
Genome position (GRCh38, 1-based): chr6:90,571,801-90,571,803, CAA deleted on the plus strand (TTG on the coding strand, the reverse complement: MAP3K7 is on the minus strand); deleting any 3 consecutive bases within chr6:90,571,801-90,571,807 gives the same sequence; the position shown is the placement nearest the transcript's 3' end. VCF-style (leftmost placement, unchanged base first): chr6-90571800-CCAA-C. GRCh37 (hg19) VCF-style: chr6-91281519-CCAA-C.
Other names: c.122TTG[1], p.Val42del (NM_003188.4, NM_145332.3, NM_145333.3); short protein forms V42del.
Identifiers: ClinVar variation 684731 (VCV000684731.2), dbSNP rs1582233787, ClinGen allele CA915944372.